The following is an entry in ClinVar:

NM_001378418.1(TCF20):c.5004G>C (p.Arg1668Ser)

Gene: TCF20 (transcription factor 20; minus strand). Cytogenetic location: 22q13.2.
Variant type: single nucleotide variant.
Coding change: c.5004G>C on transcript NM_001378418.1 (MANE Select); coding-DNA position 5004, G replaced by C.
Protein change: p.Arg1668Ser; replaces arginine 1668 with serine.
Molecular consequence: missense variant.
Genome position (GRCh38, 1-based): chr22:42,210,302, C>G on the plus strand (G>C on the coding strand, the complement: TCF20 is on the minus strand). VCF-style: chr22-42210302-C-G. GRCh37 (hg19) VCF-style: chr22-42606308-C-G.
Other names: c.5004G>C (NM_005650.1); c.5004G>C, p.Arg1668Ser (NM_005650.4, NM_181492.3); short protein forms R1668S.
Identifiers: ClinVar variation 2778652 (VCV002778652.4), dbSNP rs1920932864, ClinGen allele CA411782797.

ClinVar aggregate classification (germline): Uncertain significance. Review status: criteria provided, multiple submitters, no conflicts (2 of 4 stars). 2 submissions from 2 submitters: Uncertain significance (2). Last evaluated 2024-01-29.

Allele frequency attached by ClinVar (database versions not stated): TOPMed below 0.00001.

Submissions (2):

GeneDx
Classification: Uncertain significance. Last evaluated: 2024-01-29. Review status: criteria provided, single submitter. Criteria: GeneDx Variant Classification Process June 2021. Collection method: clinical testing. Allele origin: germline. Affected: yes.
Comment: Not observed at significant frequency in large population cohorts (gnomAD); In silico analysis supports that this missense variant does not alter protein structure/function; Has not been previously published as pathogenic or benign to our knowledge

Labcorp Genetics (formerly Invitae), Labcorp
Classification: Uncertain significance. Last evaluated: 2023-06-11. Review status: criteria provided, single submitter. Criteria: Invitae Variant Classification Sherloc (09022015). Collection method: clinical testing. Allele origin: germline.
Comment: In summary, the available evidence is currently insufficient to determine the role of this variant in disease. Therefore, it has been classified as a Variant of Uncertain Significance. An algorithm developed to predict the effect of missense changes on protein structure and function (PolyPhen-2) suggests that this variant is likely to be disruptive. This variant has not been reported in the literature in individuals affected with TCF20-related conditions. This variant is not present in population databases (gnomAD no frequency). This sequence change replaces arginine, which is basic and polar, with serine, which is neutral and polar, at codon 1668 of the TCF20 protein (p.Arg1668Ser).